The following is an entry in ClinVar:

ClinVar aggregate classification (germline): Uncertain significance. Review status: criteria provided, single submitter (1 of 4 stars). 2 submissions from 2 submitters: Uncertain significance (1). 1 of the submissions does not count toward it. Last evaluated 2022-05-04.

Conditions:
MYH14-related disorder. Also called: MYH14-related condition.
Inborn genetic diseases. Identifiers: MedGen C0950123, MeSH D030342.

Allele frequency attached by ClinVar (database versions not stated): gnomAD 0.00003; TOPMed 0.00003; ExAC 0.00004; gnomAD exomes 0.00004.
gnomAD v4.1: 56 of 1,606,612 alleles (0.0035%); highest among the groups gnomAD compares: Non-Finnish European, 0.0042%; no homozygotes.

Submissions (2):

Ambry Genetics
Classification: Uncertain significance for Inborn genetic diseases. Last evaluated: 2022-05-04. Review status: criteria provided, single submitter. Criteria: Ambry Variant Classification Scheme 2023. Collection method: clinical testing. Allele origin: germline.

PreventionGenetics, part of Exact Sciences
Classification: Likely benign for MYH14-related condition. Last evaluated: 2024-07-28. Review status: no assertion criteria provided. Collection method: clinical testing. Allele origin: germline. Not counted in ClinVar's aggregate classification.
Comment: This variant is classified as likely benign based on ACMG/AMP sequence variant interpretation guidelines (Richards et al. 2015 PMID: 25741868, with internal and published modifications).

NM_001145809.2(MYH14):c.5996G>A (p.Arg1999His)

Gene: MYH14 (myosin heavy chain 14; plus strand). Cytogenetic location: 19q13.33.
Variant type: single nucleotide variant.
Coding change: c.5996G>A on transcript NM_001145809.2 (MANE Select); coding-DNA position 5996, G replaced by A.
Protein change: p.Arg1999His; replaces arginine 1999 with histidine.
Molecular consequence: missense variant.
Genome position (GRCh38, 1-based): chr19:50,309,675, G>A. VCF-style: chr19-50309675-G-A. GRCh37 (hg19) VCF-style: chr19-50812932-G-A.
Other names: c.5897G>A, p.Arg1966His (NM_001077186.2); c.5873G>A, p.Arg1958His (NM_024729.4); c.5996G>A (NM_001145809.1); short protein forms R1958H, R1966H, R1999H.
Identifiers: ClinVar variation 2409913 (VCV002409913.3), dbSNP rs764476849, ClinGen allele CA9593981.